The following is an entry in ClinVar:

ClinVar aggregate classification (germline): Likely benign. Review status: criteria provided, single submitter (1 of 4 stars). 2 submissions from 2 submitters: Likely benign (1). 1 of the submissions does not count toward it. Last evaluated 2025-10-09.

Conditions:
PKHD1-related disorder. Also called: PKHD1-related condition.
Autosomal recessive polycystic kidney disease (ARPKD). Also called: AR polycystic kidney disease. Identifiers: Orphanet 731, Orphanet 8378, MedGen C0085548, MeSH D017044, MONDO:0009889.

Allele frequency attached by ClinVar (database versions not stated): TOPMed below 0.00001.
gnomAD v4.1: 8 of 1,613,482 alleles (0.0005%); highest among the groups gnomAD compares: Admixed American, 0.012%; no homozygotes.

Submissions (2):

Labcorp Genetics (formerly Invitae), Labcorp
Classification: Likely benign for Autosomal recessive polycystic kidney disease. Last evaluated: 2025-10-09. Review status: criteria provided, single submitter. Criteria: Invitae Variant Classification Sherloc (09022015). Collection method: clinical testing. Allele origin: germline.

PreventionGenetics, part of Exact Sciences
Classification: Likely benign for PKHD1-related condition. Last evaluated: 2021-04-14. Review status: no assertion criteria provided. Collection method: clinical testing. Allele origin: germline. Not counted in ClinVar's aggregate classification.
Comment: This variant is classified as likely benign based on ACMG/AMP sequence variant interpretation guidelines (Richards et al. 2015 PMID: 25741868, with internal and published modifications).

NM_138694.4(PKHD1):c.5841A>C (p.Thr1947=)

Gene: PKHD1 (PKHD1 ciliary IPT domain containing fibrocystin/polyductin; minus strand). Cytogenetic location: 6p12.2.
Variant type: single nucleotide variant.
Coding change: c.5841A>C on transcript NM_138694.4 (MANE Select); coding-DNA position 5841, A replaced by C.
Protein change: p.Thr1947=; no amino-acid change (threonine 1947 retained).
Molecular consequence: synonymous variant.
Genome position (GRCh38, 1-based): chr6:51,959,937, T>G on the plus strand (A>C on the coding strand, the complement: PKHD1 is on the minus strand). VCF-style: chr6-51959937-T-G. GRCh37 (hg19) VCF-style: chr6-51824735-T-G.
Other names: c.5841A>C (NM_138694.3); c.5841A>C, p.Thr1947= (NM_170724.3).
Identifiers: ClinVar variation 1102973 (VCV001102973.9), dbSNP rs780854942, ClinGen allele CA3852412.